The following is an entry in ClinVar:

NM_001277115.2(DNAH11):c.8345A>T (p.Gln2782Leu)

Gene: DNAH11 (dynein axonemal heavy chain 11; plus strand). Cytogenetic location: 7p15.3.
Variant type: single nucleotide variant.
Coding change: c.8345A>T on transcript NM_001277115.2 (MANE Select); coding-DNA position 8345, A replaced by T.
Protein change: p.Gln2782Leu; replaces glutamine 2782 with leucine.
Molecular consequence: missense variant.
Genome position (GRCh38, 1-based): chr7:21,744,898, A>T. VCF-style: chr7-21744898-A-T. GRCh37 (hg19) VCF-style: chr7-21784516-A-T.
Other names: short protein forms Q2782L.
Identifiers: ClinVar variation 934988 (VCV000934988.13), dbSNP rs1420930266, ClinGen allele CA366953960.

ClinVar aggregate classification (germline): Conflicting classifications of pathogenicity. Review status: criteria provided, conflicting classifications (1 of 4 stars). 3 submissions from 3 submitters: Uncertain significance (2); Likely benign (1). Last evaluated 2025-12-30.

Conditions:
DNAH11-related disorder. Also called: DNAH11-related condition.
Primary ciliary dyskinesia. Also called: Ciliary dyskinesia. Identifiers: Orphanet 244, MedGen C0008780, MONDO:0016575, HP:0012265.

Allele frequency attached by ClinVar (database versions not stated): gnomAD exomes below 0.00001 and 0.00001; gnomAD 0.00001; TOPMed 0.00001.
gnomAD v4.1: 5 of 1,610,636 alleles (0.00031%); highest among the groups gnomAD compares: African/African-American, 0.0013%; no homozygotes.

Submissions (3):

Labcorp Genetics (formerly Invitae), Labcorp
Classification: Likely benign for Primary ciliary dyskinesia. Last evaluated: 2025-12-30. Review status: criteria provided, single submitter. Criteria: Invitae Variant Classification Sherloc (09022015). Collection method: clinical testing. Allele origin: germline.

PreventionGenetics, part of Exact Sciences
Classification: Uncertain significance for DNAH11-related condition. Last evaluated: 2025-06-24. Review status: criteria provided, single submitter. Criteria: ACMG Guidelines, 2015. Collection method: clinical testing. Allele origin: germline.
Comment: The DNAH11 c.8345A>T variant is predicted to result in the amino acid substitution p.Gln2782Leu. To our knowledge, this variant has not been reported in the literature. This variant is reported in 0.0018% of alleles in individuals of European (Non-Finnish) descent in gnomAD. At this time, the clinical significance of this variant is uncertain due to the absence of conclusive functional and genetic evidence.

Ambry Genetics
Classification: Uncertain significance for Primary ciliary dyskinesia. Last evaluated: 2023-12-20. Review status: criteria provided, single submitter. Criteria: Ambry Variant Classification Scheme 2023. Collection method: clinical testing. Allele origin: germline.